The following is an entry in ClinVar:

NM_001267550.2(TTN):c.23879G>A (p.Ser7960Asn)

Gene: TTN (titin; minus strand). Cytogenetic location: 2q31.2.
Variant type: single nucleotide variant.
Coding change: c.23879G>A on transcript NM_001267550.2 (MANE Select); coding-DNA position 23879, G replaced by A.
Protein change: p.Ser7960Asn; replaces serine 7960 with asparagine.
Molecular consequence: missense variant. On other transcripts: intron variant (3).
Genome position (GRCh38, 1-based): chr2:178,719,613, C>T on the plus strand (G>A on the coding strand, the complement: TTN is on the minus strand). VCF-style: chr2-178719613-C-T. GRCh37 (hg19) VCF-style: chr2-179584340-C-T.
Other names: c.22928G>A, p.Ser7643Asn (NM_001256850.1); c.20147G>A, p.Ser6716Asn (NM_133378.4); c.13282+18469G>A (NM_003319.4); c.13858+18469G>A (NM_133437.4); c.13657+18469G>A (NM_133432.3); short protein forms S6716N, S7960N, S7643N.
Identifiers: ClinVar variation 585095 (VCV000585095.5), dbSNP rs369302142, ClinGen allele CA2000554.
Genomic context (GRCh38, chr2:178,719,613, plus strand): 5'-CCAGAAACATGGACGGATACAGTGCAGTTACTTTTGCCAACACTGTTTTTCACTTCAAAG[C>T]TATATAATCCTTTGTCACTCATTTCGGCACAGGGGATTTTAAGGGAAGCCACTTTATTGA-3'
Protein context (NP_001254479.2, residues 7950-7970): CAEMSDKGLY[Ser7960Asn]FEVKNSVGKS

ClinVar aggregate classification (germline): Uncertain significance (1 of 4 stars; one submission).

Conditions:
Autosomal recessive limb-girdle muscular dystrophy type 2J (LGMDR10). Also called: MUSCULAR DYSTROPHY, LIMB-GIRDLE, AUTOSOMAL RECESSIVE 10; Limb-girdle muscular dystrophy, type 2J. Identifiers: Orphanet 140922, MedGen C1837342, MONDO:0012127, OMIM 608807.
Hypertrophic cardiomyopathy 9. Also called: Familial hypertrophic cardiomyopathy 9. Identifiers: MedGen C1861065, MONDO:0013412, OMIM 613765.
Dilated cardiomyopathy 1G (CMD1G). Identifiers: Orphanet 154, MedGen C1858763, MONDO:0011400, OMIM 604145.
Tibial muscular dystrophy (TMD). Also called: Tibial muscular dystrophy, tardive; Udd Distal Myopathy – Tibial Muscular Dystrophy; UDD MYOPATHY. Identifiers: Orphanet 609, MedGen C1838244, MONDO:0010870, OMIM 600334.
Early-onset myopathy with fatal cardiomyopathy (CMYO5). Also called: CONGENITAL MYOPATHY 5 WITH CARDIOMYOPATHY; Salih Myopathy. Identifiers: Orphanet 289377, MedGen C2673677, MONDO:0012714, OMIM 611705. Disease mechanism: loss of function.
Myopathy, myofibrillar, 9, with early respiratory failure (MFM9). Also called: Myopathy, distal, with early respiratory failure, autosomal dominant; Hereditary myopathy with early respiratory failure; EDSTROM MYOPATHY; MYOPATHY, PROXIMAL, WITH EARLY RESPIRATORY MUSCLE INVOLVEMENT. Identifiers: Orphanet 178464, Orphanet 34521, MedGen C1863599, MONDO:0011362, OMIM 603689.

Allele frequency attached by ClinVar (database versions not stated): gnomAD 0.00001; ExAC 0.00002; gnomAD exomes 0.00002 and 0.00004; TOPMed 0.00002; ESP Exome Variant Server 0.00008.
gnomAD v4.1: 28 of 1,613,276 alleles (0.0017%); highest among the groups gnomAD compares: Admixed American, 0.01%; no homozygotes.

Submission:

Revvity Omics, Revvity
Classification: Uncertain significance. Last evaluated: 2019-05-02. Review status: criteria provided, single submitter. Criteria: ACMG Guidelines, 2015. Collection method: clinical testing. Allele origin: germline.